The following is an entry in ClinVar:

ClinVar aggregate classification (germline): Uncertain significance (1 of 4 stars; one submission).

Conditions:
Inborn genetic diseases. Identifiers: MedGen C0950123, MeSH D030342.

Submission:

Ambry Genetics
Classification: Uncertain significance for Inborn genetic diseases. Last evaluated: 2021-04-28. Review status: criteria provided, single submitter. Criteria: Ambry Variant Classification Scheme 2023. Collection method: clinical testing. Allele origin: germline.
Comment: Loss of function has not been clearly established as a mechanism of disease Based on insufficient or conflicting evidence, the clinical significance of this alteration remains unclear.

NM_018896.5(CACNA1G):c.126del (p.Ser43fs)

Genes: CACNA1G (calcium voltage-gated channel subunit alpha1 G; plus strand), CACNA1G-AS1 (CACNA1G antisense RNA 1; minus strand). Cytogenetic location: 17q21.33.
Variant type: Deletion.
Coding change: c.126del on transcript NM_018896.5 (MANE Select); coding-DNA position 126, one base deleted (C; older notation c.126delC).
Protein change: p.Ser43fs; shifts the reading frame from serine 43.
Molecular consequence: frameshift variant. On other transcripts: non-coding transcript variant (5).
Genome position (GRCh38, 1-based): chr17:50,561,585, C deleted. VCF-style (leftmost placement, unchanged base first): chr17-50561584-GC-G. GRCh37 (hg19) VCF-style: chr17-48638945-GC-G.
Other names: c.126del, p.Ser43fs (NM_001256324.2, NM_001256325.2, NM_001256326.2 and 24 more transcripts); short protein forms S43fs.
Identifiers: ClinVar variation 2230327 (VCV002230327.2), dbSNP rs2544434638, ClinGen allele CA2580094347.
Genomic context (GRCh38, chr17:50,561,584, plus strand): 5'-TCAACGACCTGTCGGGGGCCGGGGGCCGGCCGGGGCCGGGGTCAGCAGAAAAGGACCCGG[GC>G]AGCGCGGACTCCGAGGCGGAGGGGCTGCCGTACCCGGCGCTGGCCCCGGTGGTTTTCTTC-3'